The following is an entry in ClinVar:

ClinVar aggregate classification (germline): Uncertain significance (1 of 4 stars; one submission).

Conditions:
Charcot-Marie-Tooth disease dominant intermediate B (CMTDIB). Also called: CHARCOT-MARIE-TOOTH NEUROPATHY, DOMINANT INTERMEDIATE B; Charcot-Marie-Tooth disease dominant intermediate 1; CMT DI1; Charcot-Marie-Tooth disease dominant intermediate I. Identifiers: Orphanet 100044, Orphanet 228179, MedGen C1847902, MONDO:0011674, OMIM 606482.

Submission:

Labcorp Genetics (formerly Invitae), Labcorp
Classification: Uncertain significance for Charcot-Marie-Tooth disease dominant intermediate B. Last evaluated: 2023-02-06. Review status: criteria provided, single submitter. Criteria: Invitae Variant Classification Sherloc (09022015). Collection method: clinical testing. Allele origin: germline.
Comment: This sequence change replaces glutamic acid, which is acidic and polar, with lysine, which is basic and polar, at codon 167 of the DNM2 protein (p.Glu167Lys). This variant is not present in population databases (gnomAD no frequency). This variant has not been reported in the literature in individuals affected with DNM2-related conditions. Advanced modeling of protein sequence and biophysical properties (such as structural, functional, and spatial information, amino acid conservation, physicochemical variation, residue mobility, and thermodynamic stability) has been performed at Invitae for this missense variant, however the output from this modeling did not meet the statistical confidence thresholds required to predict the impact of this variant on DNM2 protein function. In summary, the available evidence is currently insufficient to determine the role of this variant in disease. Therefore, it has been classified as a Variant of Uncertain Significance.

NM_001005361.3(DNM2):c.499G>A (p.Glu167Lys)

Gene: DNM2 (dynamin 2; plus strand). Cytogenetic location: 19p13.2.
Variant type: single nucleotide variant.
Coding change: c.499G>A on transcript NM_001005361.3 (MANE Select); coding-DNA position 499, G replaced by A.
Protein change: p.Glu167Lys; replaces glutamic acid 167 with lysine.
Molecular consequence: missense variant.
Genome position (GRCh38, 1-based): chr19:10,775,816, G>A. VCF-style: chr19-10775816-G-A. GRCh37 (hg19) VCF-style: chr19-10886492-G-A.
Other names: c.499G>A, p.Glu167Lys (NM_001005360.3, NM_001005362.3, NM_001190716.2 and 1 more transcripts); short protein forms E167K.
Identifiers: ClinVar variation 2981612 (VCV002981612.3), dbSNP rs2513153086, ClinGen allele CA404042697.